The following is an entry in ClinVar:

NM_005732.4(RAD50):c.2202del (p.Pro734_Met735insTer)

Gene: RAD50 (RAD50 double strand break repair protein; plus strand). Cytogenetic location: 5q31.1.
Variant type: Deletion.
Coding change: c.2202del on transcript NM_005732.4 (MANE Select); coding-DNA position 2202, one base deleted (C; older notation c.2202delC).
Protein change: p.Pro734_Met735insTer.
Molecular consequence: frameshift variant.
Genome position (GRCh38, 1-based): chr5:132,595,805, C deleted; the last of 3 consecutive C bases (chr5:132,595,803-132,595,805); deleting any one gives the same sequence. VCF-style (leftmost placement, unchanged base first): chr5-132595802-GC-G. GRCh37 (hg19) VCF-style: chr5-131931494-GC-G.
Other names: c.2202del (NM_005732.3).
Identifiers: ClinVar variation 184917 (VCV000184917.24), dbSNP rs786201789, ClinGen allele CA333864.

ClinVar aggregate classification (germline): Pathogenic/Likely pathogenic. Review status: criteria provided, multiple submitters, no conflicts (2 of 4 stars). 7 submissions from 7 submitters: Pathogenic (4); Likely pathogenic (2). 1 of the submissions does not count toward it. Last evaluated 2025-07-31.

Conditions:
RAD50-related disorder. Also called: RAD50-related condition.
Hereditary cancer-predisposing syndrome. Also called: Hereditary neoplastic syndrome; Neoplastic Syndromes, Hereditary; Tumor predisposition; Hereditary Cancer Syndrome. Identifiers: Orphanet 140162, MedGen C0027672, MeSH D009386, MONDO:0015356.
Nijmegen breakage syndrome-like disorder (NBSLD). Also called: MICROCEPHALY AND SPONTANEOUS CHROMOSOME INSTABILITY WITHOUT IMMUNODEFICIENCY; NBS-LIKE DISORDER; RAD50 DEFICIENCY. Identifiers: Orphanet 240760, MedGen C2751318, MONDO:0013118, OMIM 613078.

Submissions (7):

Labcorp Genetics (formerly Invitae), Labcorp
Classification: Pathogenic for Hereditary cancer-predisposing syndrome. Last evaluated: 2025-07-31. Review status: criteria provided, single submitter. Criteria: Invitae Variant Classification Sherloc (09022015). Collection method: clinical testing. Allele origin: germline.
Comment: This sequence change creates a premature translational stop signal (p.Met735*) in the RAD50 gene. It is expected to result in an absent or disrupted protein product. Loss-of-function variants in RAD50 are known to be pathogenic (PMID: 19409520). This variant is present in population databases (rs769230013, gnomAD 0.006%). This variant has not been reported in the literature in individuals affected with RAD50-related conditions. ClinVar contains an entry for this variant (Variation ID: 184917). For these reasons, this variant has been classified as Pathogenic.

Baylor Genetics
Classification: Likely pathogenic for Nijmegen breakage syndrome-like disorder. Last evaluated: 2023-10-15. Review status: criteria provided, single submitter. Criteria: ACMG Guidelines, 2015. Collection method: clinical testing. Allele origin: unknown.

Quest Diagnostics Nichols Institute San Juan Capistrano
Classification: Pathogenic. Last evaluated: 2023-10-12. Review status: criteria provided, single submitter. Criteria: Quest Diagnostics criteria. Collection method: clinical testing. Allele origin: unknown.
Comment: The RAD50 c.2202del (p.Met735*) variant alters the translational reading frame of the RAD50 mRNA and causes the premature termination of RAD50 protein synthesis. This variant has been reported in the published literature in individuals with ovarian cancer (PMID: 28888541 (2017)) and breast and/or ovarian cancer (PMID: 35626031 (2022)). The frequency of this variant in the general population, 0.000011 (3/276904 chromosomes (Genome Aggregation Database)), is consistent with pathogenicity. Based on the available information, this variant is classified as pathogenic.

Ambry Genetics
Classification: Pathogenic for Hereditary cancer-predisposing syndrome. Last evaluated: 2022-08-17. Review status: criteria provided, single submitter. Criteria: Ambry Variant Classification Scheme 2023. Collection method: clinical testing. Allele origin: germline.
Comment: The c.2202delC pathogenic mutation (also known as p.M735*), located in coding exon 13 of the RAD50 gene, results from a deletion of one nucleotide at position 2202. This changes the amino acid from a methionine to a stop codon within coding exon 13. This alteration is expected to result in loss of function by premature protein truncation or nonsense-mediated mRNA decay. As such, this alteration is interpreted as a disease-causing mutation.

Sema4
Classification: Likely pathogenic for Nijmegen breakage syndrome-like disorder. Last evaluated: 2021-08-24. Review status: criteria provided, single submitter. Criteria: Sema4 Curation Guidelines. Collection method: curation. Allele origin: germline.
Comment: To the best of our knowledge, the RAD50 c.2202delC (p.M735X) deletion has not been reported in individuals with RAD50-related disease. This variant causes a frameshift at amino acid 735 that results in premature termination at the same position. At this location, this is predicted to cause nonsense-mediated decay and result in an absent protein (loss of function). Loss of function variants in RAD50 are known to be pathogenic (PMID: 19409520, 16385572). This variant was observed in 2/35348 chromosomes in the Latino population, according to the Genome Aggregation Database (PMID: 32461654). This variant has been reported in ClinVar (Variation ID: 184917). Based on the current evidence available, this variant is interpreted as likely pathogenic.

Revvity Omics, Revvity
Classification: Pathogenic for Nijmegen breakage syndrome-like disorder. Last evaluated: 2021-03-24. Review status: criteria provided, single submitter. Criteria: ACMG Guidelines, 2015. Collection method: clinical testing. Allele origin: germline.

PreventionGenetics, part of Exact Sciences
Classification: Likely pathogenic for RAD50-related condition. Last evaluated: 2024-01-18. Review status: no assertion criteria provided. Collection method: clinical testing. Allele origin: germline. Not counted in ClinVar's aggregate classification.
Comment: The RAD50 c.2202delC variant is predicted to result in premature protein termination (p.Met735*). This variant was reported in individuals with breast and/or ovarian cancer (Table S7, Lilyquist et al. 2017. PubMed ID: 28888541; Table S2, Espinel et al. 2022. PubMed ID: 35626031). This variant is reported in 0.0057% of alleles in individuals of Latino descent in gnomAD and is interpreted as pathogenic or likely pathogenic in ClinVar. This variant is interpreted as likely pathogenic.

Literature cited by the submitters: PubMed 19409520 (cited by Labcorp Genetics (formerly Invitae), Labcorp and Sema4); PubMed 28152038 (cited by Quest Diagnostics Nichols Institute San Juan Capistrano); PubMed 35626031 (cited by Quest Diagnostics Nichols Institute San Juan Capistrano); PubMed 28888541 (cited by Quest Diagnostics Nichols Institute San Juan Capistrano); PubMed 16385572 (cited by Sema4).